The following is an entry in ClinVar:

NM_000322.5(PRPH2):c.461A>G (p.Lys154Arg)

Gene: PRPH2 (peripherin 2; minus strand). Cytogenetic location: 6p21.1.
Variant type: single nucleotide variant.
Coding change: c.461A>G on transcript NM_000322.5 (MANE Select); coding-DNA position 461, A replaced by G.
Protein change: p.Lys154Arg; replaces lysine 154 with arginine.
Molecular consequence: missense variant.
Genome position (GRCh38, 1-based): chr6:42,721,874, T>C on the plus strand (A>G on the coding strand, the complement: PRPH2 is on the minus strand). VCF-style: chr6-42721874-T-C. GRCh37 (hg19) VCF-style: chr6-42689612-T-C.
Other names: short protein forms K154R.
Identifiers: ClinVar variation 2141416 (VCV002141416.4), dbSNP rs2548309670, ClinGen allele CA364137506.
Genomic context (GRCh38, chr6:42,721,874, plus strand): 5'-CAGTCCCGAAAACCGTTGTTGCCGCAGCATTTGAACTCGATCTGCAGCATGTCGATGGTC[T>C]TCTTCATGAAACACCTGCCAGGGGTGTCTGTGTCCCGGTAGTACTTCATGCCGTTCTTGA-3'
Protein context (NP_000313.2, residues 144-164): TDTPGRCFMK[Lys154Arg]TIDMLQIEFK

ClinVar aggregate classification (germline): Uncertain significance (1 of 4 stars; one submission).

Conditions:
PRPH2-related disorder. Also called: PRPH2-related condition; PRPH2-related disorders. Identifiers: MedGen CN239395.

Allele frequency attached by ClinVar (database versions not stated): gnomAD exomes below 0.00001.
gnomAD v4.1: 3 of 1,614,206 alleles (0.00019%); highest among the groups gnomAD compares: Non-Finnish European, 0.00025%; no homozygotes.

Submission:

Labcorp Genetics (formerly Invitae), Labcorp
Classification: Uncertain significance for PRPH2-related disorder. Last evaluated: 2022-06-04. Review status: criteria provided, single submitter. Criteria: Invitae Variant Classification Sherloc (09022015). Collection method: clinical testing. Allele origin: germline.
Comment: This variant is not present in population databases (gnomAD no frequency). This variant has not been reported in the literature in individuals affected with PRPH2-related conditions. Advanced modeling of protein sequence and biophysical properties (such as structural, functional, and spatial information, amino acid conservation, physicochemical variation, residue mobility, and thermodynamic stability) performed at Invitae indicates that this missense variant is not expected to disrupt PRPH2 protein function. In summary, the available evidence is currently insufficient to determine the role of this variant in disease. Therefore, it has been classified as a Variant of Uncertain Significance. This sequence change replaces lysine, which is basic and polar, with arginine, which is basic and polar, at codon 154 of the PRPH2 protein (p.Lys154Arg).